The following is an entry in ClinVar:

ClinVar aggregate classification (germline): Uncertain significance. Review status: criteria provided, multiple submitters, no conflicts (2 of 4 stars). 4 submissions from 4 submitters: Uncertain significance (4). Last evaluated 2026-01-20.

Conditions:
Glioma susceptibility 1 (GLM1). Also called: Glioblastoma, somatic. Identifiers: MedGen C2750850, MONDO:0024498, OMIM 137800.
Visceral neuropathy, familial, 2, autosomal recessive. Identifiers: MedGen C5561950, MONDO:0030399, OMIM 619465.
Lung cancer. Also called: Lung cancer, somatic; Malignant tumor of lung. Identifiers: MedGen C0242379, MONDO:0008903, OMIM 211980.
Ovarian cancer. Also called: OVARIAN CANCER, SOMATIC. Identifiers: Orphanet 213500, MedGen C1140680, MONDO:0008170, OMIM 167000.

Allele frequency attached by ClinVar (database versions not stated): 1000 Genomes Project 30x 0.00062; 1000 Genomes Project 0.00080; gnomAD exomes 0.00090 and 0.00132; gnomAD 0.00104 and 0.00106; ExAC 0.00105; TOPMed 0.00116; ESP Exome Variant Server 0.00138.
gnomAD v4.1: 2,095 of 1,614,042 alleles (0.13%); highest among the groups gnomAD compares: Middle Eastern, 0.26%; 1 homozygote.

Submissions (4):

Labcorp Genetics (formerly Invitae), Labcorp
Classification: Uncertain significance. Last evaluated: 2026-01-20. Review status: criteria provided, single submitter. Criteria: Invitae Variant Classification Sherloc (09022015). Collection method: clinical testing. Allele origin: germline.
Comment: This sequence change replaces glycine, which is neutral and non-polar, with glutamic acid, which is acidic and polar, at codon 1015 of the ERBB2 protein (p.Gly1015Glu). This variant is present in population databases (rs140272156, gnomAD 0.2%), and has an allele count higher than expected for a pathogenic variant. This variant has not been reported in the literature in individuals affected with ERBB2-related conditions. ClinVar contains an entry for this variant (Variation ID: 842287). Invitae Evidence Modeling of protein sequence and biophysical properties (such as structural, functional, and spatial information, amino acid conservation, physicochemical variation, residue mobility, and thermodynamic stability) indicates that this missense variant is not expected to disrupt ERBB2 protein function with a negative predictive value of 80%. In summary, the available evidence is currently insufficient to determine the role of this variant in disease. Therefore, it has been classified as a Variant of Uncertain Significance.

Department of Pathology and Laboratory Medicine, Sinai Health System
Classification: Uncertain significance for Glioma susceptibility 1; Visceral neuropathy, familial, 2, autosomal recessive; Lung cancer; Ovarian cancer. Last evaluated: 2023-01-04. Review status: criteria provided, single submitter. Criteria: ACMG Guidelines, 2015. Collection method: research. Allele origin: germline.

Institute for Clinical Genetics, University Hospital TU Dresden, University Hospital TU Dresden
Classification: Uncertain significance. Last evaluated: 2021-11-03. Review status: criteria provided, single submitter. Criteria: ACMG Guidelines, 2015. Collection method: clinical testing. Allele origin: germline.

Breakthrough Genomics
Classification: Uncertain significance. Review status: criteria provided, single submitter. Criteria: ACMG Guidelines, 2015. Collection method: not provided. Allele origin: germline. Inheritance: Autosomal recessive inheritance. Affected: yes.

NM_004448.4(ERBB2):c.3044G>A (p.Gly1015Glu)

Gene: ERBB2 (erb-b2 receptor tyrosine kinase 2; plus strand). Cytogenetic location: 17q12.
Variant type: single nucleotide variant.
Coding change: c.3044G>A on transcript NM_004448.4 (MANE Select); coding-DNA position 3044, G replaced by A.
Protein change: p.Gly1015Glu; replaces glycine 1015 with glutamic acid.
Molecular consequence: missense variant. On other transcripts: non-coding transcript variant (1), intron variant (1).
Genome position (GRCh38, 1-based): chr17:39,726,888, G>A. VCF-style: chr17-39726888-G-A. GRCh37 (hg19) VCF-style: chr17-37883141-G-A.
Other names: c.2999G>A (NM_001289936.1); c.2954G>A, p.Gly985Glu (NM_001005862.3, NM_001382782.1, NM_001382783.1); c.2999G>A, p.Gly1000Glu (NM_001289936.2); c.3044G>A, p.Gly1015Glu (NM_001289937.2, NM_001382796.1); c.3161G>A, p.Gly1054Glu (NM_001382784.1); c.3146G>A, p.Gly1049Glu (NM_001382785.1); c.3125G>A, p.Gly1042Glu (NM_001382786.1); c.3119G>A, p.Gly1040Glu (NM_001382787.1); and 16 more; short protein forms G1000E, G1015E, G985E, G1001E, G1003E, G1012E, G1014E, G1022E.
Identifiers: ClinVar variation 842287 (VCV000842287.11), dbSNP rs140272156, ClinGen allele CA8534454.
Genomic context (GRCh38, chr17:39,726,888, plus strand): 5'-GCCCAGCCAGTCCCTTGGACAGCACCTTCTACCGCTCACTGCTGGAGGACGATGACATGG[G>A]GGACCTGGTGGATGCTGAGGAGTATCTGGTACCCCAGCAGGGCTTCTTCTGTCCAGACCC-3'
Protein context (NP_004439.2, residues 1005-1025): YRSLLEDDDM[Gly1015Glu]DLVDAEEYLV